The following is an entry in ClinVar:

NM_005901.6(SMAD2):c.941G>A (p.Gly314Asp)

Gene: SMAD2 (SMAD family member 2; minus strand). Cytogenetic location: 18q21.1.
Variant type: single nucleotide variant.
Coding change: c.941G>A on transcript NM_005901.6 (MANE Select); coding-DNA position 941, G replaced by A.
Protein change: p.Gly314Asp; replaces glycine 314 with aspartic acid.
Molecular consequence: missense variant.
Genome position (GRCh38, 1-based): chr18:47,848,531, C>T on the plus strand (G>A on the coding strand, the complement: SMAD2 is on the minus strand). VCF-style: chr18-47848531-C-T. GRCh37 (hg19) VCF-style: chr18-45374902-C-T.
Other names: c.941G>A, p.Gly314Asp (NM_001003652.4); c.851G>A, p.Gly284Asp (NM_001135937.3); short protein forms G284D, G314D.
Identifiers: ClinVar variation 1303835 (VCV001303835.2), dbSNP rs2144299769, ClinGen allele CA402504353.

ClinVar aggregate classification (germline): Uncertain significance (1 of 4 stars; one submission).

Submission:

GeneDx
Classification: Uncertain significance. Last evaluated: 2021-03-23. Review status: criteria provided, single submitter. Criteria: GeneDx Variant Classification Process June 2021. Collection method: clinical testing. Allele origin: germline. Affected: yes.
Comment: Not observed in large population cohorts (Lek et al., 2016); In silico analysis supports that this missense variant has a deleterious effect on protein structure/function; Has not been previously published as pathogenic or benign to our knowledge